The following is an entry in ClinVar:

NM_017617.5(NOTCH1):c.3314C>T (p.Ala1105Val)

Gene: NOTCH1 (notch receptor 1; minus strand). Cytogenetic location: 9q34.3.
Variant type: single nucleotide variant.
Coding change: c.3314C>T on transcript NM_017617.5 (MANE Select); coding-DNA position 3314, C replaced by T.
Protein change: p.Ala1105Val; replaces alanine 1105 with valine.
Molecular consequence: missense variant.
Genome position (GRCh38, 1-based): chr9:136,508,243, G>A on the plus strand (C>T on the coding strand, the complement: NOTCH1 is on the minus strand). VCF-style: chr9-136508243-G-A. GRCh37 (hg19) VCF-style: chr9-139402695-G-A.
Other names: short protein forms A1105V.
Identifiers: ClinVar variation 4528170 (VCV004528170.1).
Genomic context (GRCh38, chr9:136,508,243, plus strand): 5'-GAGGACCTTGATGGGCTGGGACCCGAGCTGGGTGGGCACAGCAGGTTACCTTGTCGCTGC[G>A]CAGCCACCTCACAGGACACGCTGGGCACGTCGCAGTAAAGGCCGGTCCAGCCGCTGGGGC-3'
Protein context (NP_060087.3, residues 1095-1115): DVPSVSCEVA[Ala1105Val]QRQGVDVARL

ClinVar aggregate classification (germline): Uncertain significance (1 of 4 stars; one submission).

gnomAD v4.1: 3 of 1,611,654 alleles (0.00019%); highest among the groups gnomAD compares: Non-Finnish European, 0.000085%; no homozygotes.

Submission:

GeneDx
Classification: Uncertain significance. Last evaluated: 2025-05-07. Review status: criteria provided, single submitter. Criteria: GeneDx Variant Classification Process June 2021. Collection method: clinical testing. Allele origin: germline. Affected: yes.
Comment: Not observed at significant frequency in large population cohorts (gnomAD); In silico analysis supports that this missense variant has a deleterious effect on protein structure/function; Has not been previously published as pathogenic or benign to our knowledge